The following is an entry in ClinVar:

NM_000404.4(GLB1):c.819G>A (p.Trp273Ter)

Gene: GLB1 (galactosidase beta 1; minus strand). Cytogenetic location: 3p22.3.
Variant type: single nucleotide variant.
Coding change: c.819G>A on transcript NM_000404.4 (MANE Select); coding-DNA position 819, G replaced by A.
Protein change: p.Trp273Ter; replaces tryptophan 273 with a stop codon.
Molecular consequence: nonsense.
Genome position (GRCh38, 1-based): chr3:33,051,978, C>T on the plus strand (G>A on the coding strand, the complement: GLB1 is on the minus strand). VCF-style: chr3-33051978-C-T. GRCh37 (hg19) VCF-style: chr3-33093470-C-T.
Other names: c.729G>A, p.Trp243Ter (NM_001079811.3); c.426G>A, p.Trp142Ter (NM_001135602.3); c.963G>A, p.Trp321Ter (NM_001317040.2); short protein forms W142*, W243*, W273*, W321*.
Identifiers: ClinVar variation 983742 (VCV000983742.10), dbSNP rs1378338444, ClinGen allele CA352001617.
Genomic context (GRCh38, chr3:33,051,978, plus strand): 5'-GAGGGAGGAAGCCACTGCTTCGGTCTTGATTGTGGAGTGAGGTTGGCCCCAGTGATCTAG[C>T]CAGCCAGTATAGAATTCAGAATTGATCTAAAACAAAAAAAGAACGTAGCCCTTAGGATAG-3'

ClinVar aggregate classification (germline): Pathogenic/Likely pathogenic. Review status: criteria provided, multiple submitters, no conflicts (2 of 4 stars). 3 submissions from 3 submitters: Pathogenic (1); Likely pathogenic (2). Last evaluated 2025-09-24.

Conditions:
Mucopolysaccharidosis, MPS-IV-B (MPS4B). Also called: Mucopolysaccharidosis type IV B; Mucopolysaccharidosis Type IVB (Morquio B Disease); MORQUIO SYNDROME B; Mucopolysaccharidosis type 4B; Mucopolysaccharidosis Type IVB; Mucopolysaccharidosis type IVB (Morquio). Identifiers: Orphanet 309310, Orphanet 582, MedGen C0086652, MONDO:0009660, OMIM 253010.
GM1 gangliosidosis. Identifiers: Orphanet 354, MedGen C0085131, MONDO:0018149.
GLB1-related disorder. Also called: GLB1-related disorders. Identifiers: MedGen CN377807.
GM1 gangliosidosis type 2. Also called: Gangliosidosis, Generalized GM1, Type 2; GM1-GANGLIOSIDOSIS, TYPE II; GANGLIOSIDOSIS, GENERALIZED GM1, JUVENILE TYPE; GANGLIOSIDOSIS, GENERALIZED GM1, TYPE II; Juvenile GM>1< gangliosidosis. Identifiers: Orphanet 354, Orphanet 79256, MedGen C0268272, MONDO:0009261, OMIM 230600.
GM1 gangliosidosis type 3. Also called: Gangliosidosis, Generalized GM1, Type 3; GM1-GANGLIOSIDOSIS, TYPE III; GANGLIOSIDOSIS, GENERALIZED GM1, ADULT TYPE; GANGLIOSIDOSIS, GENERALIZED GM1, CHRONIC TYPE; GANGLIOSIDOSIS, GENERALIZED GM1, TYPE III; Beta-galactosidase deficiency. Identifiers: Orphanet 79257, MedGen C0268273, MONDO:0009262, OMIM 230650.
Infantile GM1 gangliosidosis. Also called: Gangliosidosis, Generalized GM1, Type 1; GM1 gangliosidosis type 1; GM1-gangliosidosis, type I; Gangliosidosis, generalized GM1, infantile form; GLB1 deficiency. Identifiers: Orphanet 354, Orphanet 79255, MedGen C0268271, MONDO:0009260, OMIM 230500.

Allele frequency attached by ClinVar (database versions not stated): gnomAD exomes below 0.00001.
gnomAD v4.1: 2 of 1,614,188 alleles (0.00012%); highest among the groups gnomAD compares: Admixed American, 0.0017%; no homozygotes.

Submissions (3):

Labcorp Genetics (formerly Invitae), Labcorp
Classification: Pathogenic for Mucopolysaccharidosis, MPS-IV-B; GM1 gangliosidosis. Last evaluated: 2025-09-24. Review status: criteria provided, single submitter. Criteria: Invitae Variant Classification Sherloc (09022015). Collection method: clinical testing. Allele origin: germline.
Comment: This sequence change creates a premature translational stop signal (p.Trp273*) in the GLB1 gene. It is expected to result in an absent or disrupted protein product. Loss-of-function variants in GLB1 are known to be pathogenic (PMID: 18524657). This variant is present in population databases (no rsID available, gnomAD 0.003%). This premature translational stop signal has been observed in individual(s) with GM1 gangliosidosis (PMID: 20175788). ClinVar contains an entry for this variant (Variation ID: 983742). For these reasons, this variant has been classified as Pathogenic.

Fulgent Genetics
Classification: Likely pathogenic for Infantile GM1 gangliosidosis; GM1 gangliosidosis type 2; GM1 gangliosidosis type 3; Mucopolysaccharidosis, MPS-IV-B. Last evaluated: 2024-03-28. Review status: criteria provided, single submitter. Criteria: ACMG Guidelines, 2015. Collection method: clinical testing. Allele origin: germline.

Myriad Genetics, Inc.
Classification: Likely pathogenic for GLB1-related disorder. Last evaluated: 2019-08-17. Review status: criteria provided, single submitter. Criteria: Myriad Autosomal Dominant, Autosomal Recessive and X-Linked Classification Criteria (2023). Collection method: clinical testing. Allele origin: unknown.
Comment: NM_000404.2(GLB1):c.819G>A(W273*) is expected to be pathogenic in the context of GLB1-related disorders. This variant is predicted to lead to an abnormal or absent protein product due to the creation of a premature termination codon in GLB1, a gene where loss-of-function variants are known to be pathogenic. Please note: this variant was assessed in the context of healthy population screening.

Literature cited by the submitters: PubMed 18524657 (cited by Labcorp Genetics (formerly Invitae), Labcorp); PubMed 20175788 (cited by Labcorp Genetics (formerly Invitae), Labcorp).